The following is an entry in ClinVar:

NM_001271.4(CHD2):c.382-304T>C

Gene: CHD2 (chromodomain helicase DNA binding protein 2; plus strand). Cytogenetic location: 15q26.1.
Variant type: single nucleotide variant.
Coding change: c.382-304T>C on transcript NM_001271.4 (MANE Select); 304 bases into the intron before coding-DNA position 382, T replaced by C.
Molecular consequence: intron variant.
Genome position (GRCh38, 1-based): chr15:92,928,726, T>C. VCF-style: chr15-92928726-T-C. GRCh37 (hg19) VCF-style: chr15-93471956-T-C.
Other names: c.382-304T>C (NM_001042572.3).
Identifiers: ClinVar variation 669570 (VCV000669570.1), dbSNP rs80102684, ClinGen allele CA14138782.
Genomic context (GRCh38, chr15:92,928,726, plus strand): 5'-TCAGTCACACCAGTCACATTTTAAGCGCTTGGTAGTCACATGTGGCTGATGGGTACTGTA[T>C]TGGACATTGTAGATACAGGACATTTACATCGTTGCAGAAAGTTATTGGATATTGCTGTTC-3'

ClinVar aggregate classification (germline): Benign (1 of 4 stars; one submission).

Allele frequency attached by ClinVar (database versions not stated): 1000 Genomes Project 0.07388; 1000 Genomes Project 30x 0.07620; gnomAD 0.08038 and 0.08083; TOPMed 0.08287.
gnomAD v4.1: 12,253 of 152,324 alleles (8%); highest among the groups gnomAD compares: Middle Eastern, 18%; 516 homozygotes.

Submission:

GeneDx
Classification: Benign. Last evaluated: 2018-06-14. Review status: criteria provided, single submitter. Criteria: GeneDx Variant Classification (06012015). Collection method: clinical testing. Allele origin: germline. Affected: yes.
Comment: This variant is considered likely benign or benign based on one or more of the following criteria: it is a conservative change, it occurs at a poorly conserved position in the protein, it is predicted to be benign by multiple in silico algorithms, and/or has population frequency not consistent with disease.